The following is an entry in ClinVar:

NM_015046.7(SETX):c.2755G>C (p.Val919Leu)

Gene: SETX (senataxin; minus strand). Cytogenetic location: 9q34.13.
Variant type: single nucleotide variant.
Coding change: c.2755G>C on transcript NM_015046.7 (MANE Select); coding-DNA position 2755, G replaced by C.
Protein change: p.Val919Leu; replaces valine 919 with leucine.
Molecular consequence: missense variant.
Genome position (GRCh38, 1-based): chr9:132,328,843, C>G on the plus strand (G>C on the coding strand, the complement: SETX is on the minus strand). VCF-style: chr9-132328843-C-G. GRCh37 (hg19) VCF-style: chr9-135204230-C-G.
Other names: p.Val919Leu; c.2755G>C, p.Val919Leu (NM_001351527.2, NM_001351528.2); short protein forms V919L.
Identifiers: ClinVar variation 536395 (VCV000536395.20), dbSNP rs561190371, ClinGen allele CA5297536.

ClinVar aggregate classification (germline): Conflicting classifications of pathogenicity. Review status: criteria provided, conflicting classifications (1 of 4 stars). 9 submissions from 9 submitters: Uncertain significance (8); Benign (1). Last evaluated 2025-07-10.

Conditions:
Amyotrophic lateral sclerosis type 4 (ALS4). Also called: NEURONOPATHY, DISTAL HEREDITARY MOTOR, WITH PYRAMIDAL FEATURES; AMYOTROPHIC LATERAL SCLEROSIS 4, JUVENILE. Identifiers: Orphanet 357043, MedGen C1865409, MONDO:0011223, OMIM 602433.
Spinocerebellar ataxia, autosomal recessive, with axonal neuropathy 2 (SCAN2). Also called: ATAXIA-OCULOMOTOR APRAXIA 2; Ataxia with Oculomotor Apraxia; Ataxia with Oculomotor Apraxia Type 2; Ataxia-ocular apraxia-2. Identifiers: Orphanet 64753, MedGen C1853761, MONDO:0018996, OMIM 606002.
Inborn genetic diseases. Identifiers: MedGen C0950123, MeSH D030342.

Allele frequency attached by ClinVar (database versions not stated): gnomAD 0.00003; gnomAD exomes 0.00005; TOPMed 0.00010; ExAC 0.00002.
gnomAD v4.1: 348 of 1,613,488 alleles (0.022%); highest among the groups gnomAD compares: Non-Finnish European, 0.029%; no homozygotes.

Submissions (9):

GeneDx
Classification: Uncertain significance. Last evaluated: 2025-07-10. Review status: criteria provided, single submitter. Criteria: GeneDx Variant Classification Process June 2021. Collection method: clinical testing. Allele origin: germline.
Comment: In silico analysis suggests that this missense variant does not alter protein structure/function; This variant is associated with the following publications: (PMID: 23881933, 32409511, 28413711)

Labcorp Genetics (formerly Invitae), Labcorp
Classification: Benign for Amyotrophic lateral sclerosis type 4; Spinocerebellar ataxia, autosomal recessive, with axonal neuropathy 2. Last evaluated: 2025-06-06. Review status: criteria provided, single submitter. Criteria: Invitae Variant Classification Sherloc (09022015). Collection method: clinical testing. Allele origin: germline.

Mayo Clinic Laboratories, Mayo Clinic
Classification: Uncertain significance. Last evaluated: 2024-12-23. Review status: criteria provided, single submitter. Criteria: ACMG Guidelines, 2015. Collection method: clinical testing. Allele origin: germline. Observed: 1 variant allele.
Comment: BP4

Blueprint Genetics
Classification: Uncertain significance. Last evaluated: 2024-04-30. Review status: criteria provided, single submitter. Criteria: ACMG Guidelines, 2015. Collection method: clinical testing. Allele origin: germline.

Athena Diagnostics
Classification: Uncertain significance. Last evaluated: 2024-01-03. Review status: criteria provided, single submitter. Criteria: Athena Diagnostics Criteria. Collection method: clinical testing. Allele origin: unknown.
Comment: Available data are insufficient to determine the clinical significance of the variant at this time. The frequency of this variant in the general population is uninformative in assessment of its pathogenicity. Computational tools predict that this variant is not damaging.

Women's Health and Genetics/Laboratory Corporation of America, LabCorp
Classification: Uncertain significance. Last evaluated: 2023-06-26. Review status: criteria provided, single submitter. Criteria: LabCorp Variant Classification Summary - May 2015. Collection method: clinical testing. Allele origin: germline.
Comment: Variant summary: SETX c.2755G>C (p.Val919Leu) results in a conservative amino acid change in the encoded protein sequence. Five of five in-silico tools predict a benign effect of the variant on protein function. The variant allele was found at a frequency of 4.8e-05 in 250628 control chromosomes, predominantly at a frequency of 0.00011 within the Non-Finnish European subpopulation in the gnomAD database. This frequency is not significantly higher than estimated for a pathogenic variant in SETX causing Amyotrophic Lateral Sclerosis Type 4, allowing no conclusion about variant significance. c.2755G>C has been reported in the literature in heterozygous individuals affected with Amyotrophic Lateral Sclerosis, without strong evidence of causality (examples: Kenna_2013, McCann_2021). These data do not allow any conclusion about variant association with disease. To our knowledge, no experimental evidence demonstrating an impact on protein function has been reported. The following publications have been ascertained in the context of this evaluation (PMID: 23881933, 32409511). Five submitters have cited clinical-significance assessments for this variant to ClinVar after 2014, classifying the variant as uncertain significance (n=4) or benign (n=1). Based on the evidence outlined above, the variant was classified as uncertain significance.

Ambry Genetics
Classification: Uncertain significance for Inborn genetic diseases. Last evaluated: 2023-04-25. Review status: criteria provided, single submitter. Criteria: Ambry Variant Classification Scheme 2023. Collection method: clinical testing. Allele origin: germline.
Comment: Unlikely to be causative of SETX-related juvenile amyotrophic lateral sclerosis (AD) Based on insufficient or conflicting evidence, the clinical significance of this alteration remains unclear.

Knight Diagnostic Laboratories, Oregon Health and Sciences University
Classification: Uncertain significance for Amyotrophic lateral sclerosis 4, juvenile. Last evaluated: 2019-11-18. Review status: criteria provided, single submitter. Criteria: ACMG Guidelines, 2015. Collection method: clinical testing. Allele origin: germline. Observed: 1 variant allele.

Institute of Human Genetics, University of Leipzig Medical Center
Classification: Uncertain significance for Spinocerebellar ataxia, autosomal recessive, with axonal neuropathy 2. Last evaluated: 2019-01-01. Review status: criteria provided, single submitter. Criteria: ACMG Guidelines, 2015. Collection method: clinical testing. Allele origin: unknown. Affected: yes.

Literature cited by the submitters: PubMed 23881933 (cited by 4 submitters); PubMed 28413711 (cited by Mayo Clinic Laboratories, Mayo Clinic and Athena Diagnostics); PubMed 32409511 (cited by 4 submitters); PubMed 36008116 (cited by Mayo Clinic Laboratories, Mayo Clinic).